The following is an entry in ClinVar:

NM_182914.3(SYNE2):c.17557G>C (p.Glu5853Gln)

Gene: SYNE2 (spectrin repeat containing nuclear envelope protein 2; plus strand). Cytogenetic location: 14q23.2.
Variant type: single nucleotide variant.
Coding change: c.17557G>C on transcript NM_182914.3 (MANE Select); coding-DNA position 17557, G replaced by C.
Protein change: p.Glu5853Gln; replaces glutamic acid 5853 with glutamine.
Molecular consequence: missense variant.
Genome position (GRCh38, 1-based): chr14:64,186,424, G>C. VCF-style: chr14-64186424-G-C. GRCh37 (hg19) VCF-style: chr14-64653142-G-C.
Other names: c.17557G>C, p.Glu5853Gln (NM_015180.6); short protein forms E5853Q.
Identifiers: ClinVar variation 587587 (VCV000587587.8), dbSNP rs1158170304, ClinGen allele CA389989862.

ClinVar aggregate classification (germline): Uncertain significance. Review status: criteria provided, multiple submitters, no conflicts (2 of 4 stars). 2 submissions from 2 submitters: Uncertain significance (2). Last evaluated 2022-07-17.

Conditions:
Emery-Dreifuss muscular dystrophy 5, autosomal dominant (EDMD5). Also called: EMERY-DREIFUSS MUSCULAR DYSTROPHY 5. Identifiers: Orphanet 261, MedGen C2751805, MONDO:0013072, OMIM 612999.

Allele frequency attached by ClinVar (database versions not stated): gnomAD exomes below 0.00001.
gnomAD v4.1: 5 of 1,614,146 alleles (0.00031%); highest among the groups gnomAD compares: Non-Finnish European, 0.00034%; no homozygotes.

Submissions (2):

Labcorp Genetics (formerly Invitae), Labcorp
Classification: Uncertain significance for Emery-Dreifuss muscular dystrophy 5, autosomal dominant. Last evaluated: 2022-07-17. Review status: criteria provided, single submitter. Criteria: Invitae Variant Classification Sherloc (09022015). Collection method: clinical testing. Allele origin: germline.
Comment: In summary, the available evidence is currently insufficient to determine the role of this variant in disease. Therefore, it has been classified as a Variant of Uncertain Significance. Algorithms developed to predict the effect of missense changes on protein structure and function are either unavailable or do not agree on the potential impact of this missense change (SIFT: "Tolerated"; PolyPhen-2: "Probably Damaging"; Align-GVGD: "Class C0"). ClinVar contains an entry for this variant (Variation ID: 587587). This variant has not been reported in the literature in individuals affected with SYNE2-related conditions. This variant is not present in population databases (gnomAD no frequency). This sequence change replaces glutamic acid, which is acidic and polar, with glutamine, which is neutral and polar, at codon 5853 of the SYNE2 protein (p.Glu5853Gln).

Genomic Research Center, Shahid Beheshti University of Medical Sciences
Classification: Uncertain significance for Emery-Dreifuss muscular dystrophy 5, autosomal dominant. Last evaluated: 2018-08-07. Review status: criteria provided, single submitter. Criteria: ACMG Guidelines, 2015. Collection method: clinical testing. Allele origin: inherited. Affected: yes. Observed: 1 variant allele.